The following is an entry in ClinVar:

ClinVar aggregate classification (germline): Uncertain significance. Review status: criteria provided, multiple submitters, no conflicts (2 of 4 stars). 2 submissions from 2 submitters: Uncertain significance (2). Last evaluated 2025-02-19.

Allele frequency attached by ClinVar (database versions not stated): TOPMed 0.00002.

Submissions (2):

Women's Health and Genetics/Laboratory Corporation of America, LabCorp
Classification: Uncertain significance. Last evaluated: 2025-02-19. Review status: criteria provided, single submitter. Criteria: LabCorp Variant Classification Summary - May 2015. Collection method: clinical testing. Allele origin: germline.
Comment: Variant summary: COMP c.1334G>A (p.Arg445Gln) results in a conservative amino acid change located in the Thrombospondin type 3 repeat domain (IPR003367) of the encoded protein sequence. Four of five in-silico tools predict a benign effect of the variant on protein function. The variant allele was found at a frequency of 4e-06 in 251116 control chromosomes. The available data on variant occurrences in the general population are insufficient to allow any conclusion about variant significance. To our knowledge, no occurrence of c.1334G>A in individuals affected with COMP-Related Disorders and no experimental evidence demonstrating its impact on protein function have been reported. ClinVar contains an entry for this variant (Variation ID: 452263). Based on the evidence outlined above, the variant was classified as uncertain significance.

GeneDx
Classification: Uncertain significance. Last evaluated: 2017-09-28. Review status: criteria provided, single submitter. Criteria: GeneDx Variant Classification (06012015). Collection method: clinical testing. Allele origin: germline. Affected: yes.
Comment: The R445Q variant in the COMP gene has not been reported previously as a pathogenic variant, nor as a benign variant, to our knowledge. The R445Q variant is not observed at a significant frequency in large population cohorts (Lek et al., 2016). The R445Q variant is a semi-conservative amino acid substitution, which may impact secondary protein structure as these residues differ in some properties. This substitution occurs at a position where amino acids with similar properties to Arginine are tolerated across species. In silico analysis is inconsistent in its predictions as to whether or not the variant is damaging to the protein structure/function. We interpret R445Q as a variant of uncertain significance

NM_000095.3(COMP):c.1334G>A (p.Arg445Gln)

Gene: COMP (cartilage oligomeric matrix protein; minus strand). Cytogenetic location: 19p13.11.
Variant type: single nucleotide variant.
Coding change: c.1334G>A on transcript NM_000095.3 (MANE Select); coding-DNA position 1334, G replaced by A.
Protein change: p.Arg445Gln; replaces arginine 445 with glutamine.
Molecular consequence: missense variant.
Genome position (GRCh38, 1-based): chr19:18,786,120, C>T on the plus strand (G>A on the coding strand, the complement: COMP is on the minus strand). VCF-style: chr19-18786120-C-T. GRCh37 (hg19) VCF-style: chr19-18896930-C-T.
Other names: short protein forms R445Q.
Identifiers: ClinVar variation 452263 (VCV000452263.3), dbSNP rs777939991, ClinGen allele CA404885149.